The following is an entry in ClinVar:

ClinVar aggregate classification (germline): Uncertain significance (1 of 4 stars; one submission).

Conditions:
Fanconi anemia complementation group J. Also called: BRIP1-Related Fanconi Anemia. Identifiers: Orphanet 84, MedGen C1836860, MONDO:0012187, OMIM 609054.
Familial cancer of breast. Also called: BREAST CANCER, FAMILIAL; Hereditary breast cancer; hereditary breast carcinoma. Identifiers: Orphanet 227535, MedGen C0346153, MONDO:0016419, OMIM 114480. Disease mechanism: loss of function.

Submission:

Labcorp Genetics (formerly Invitae), Labcorp
Classification: Uncertain significance for Familial cancer of breast; Fanconi anemia complementation group J. Last evaluated: 2024-11-13. Review status: criteria provided, single submitter. Criteria: Invitae Variant Classification Sherloc (09022015). Collection method: clinical testing. Allele origin: germline.
Comment: This sequence change replaces asparagine, which is neutral and polar, with threonine, which is neutral and polar, at codon 1161 of the BRIP1 protein (p.Asn1161Thr). This variant is not present in population databases (gnomAD no frequency). This variant has not been reported in the literature in individuals affected with BRIP1-related conditions. Invitae Evidence Modeling of protein sequence and biophysical properties (such as structural, functional, and spatial information, amino acid conservation, physicochemical variation, residue mobility, and thermodynamic stability) indicates that this missense variant is not expected to disrupt BRIP1 protein function with a negative predictive value of 95%. In summary, the available evidence is currently insufficient to determine the role of this variant in disease. Therefore, it has been classified as a Variant of Uncertain Significance.

NM_032043.3(BRIP1):c.3482A>C (p.Asn1161Thr)

Gene: BRIP1 (BRCA1 interacting DNA helicase 1; minus strand). Cytogenetic location: 17q23.2.
Variant type: single nucleotide variant.
Coding change: c.3482A>C on transcript NM_032043.3 (MANE Select); coding-DNA position 3482, A replaced by C.
Protein change: p.Asn1161Thr; replaces asparagine 1161 with threonine.
Molecular consequence: missense variant.
Genome position (GRCh38, 1-based): chr17:61,683,564, T>G on the plus strand (A>C on the coding strand, the complement: BRIP1 is on the minus strand). VCF-style: chr17-61683564-T-G. GRCh37 (hg19) VCF-style: chr17-59760925-T-G.
Other names: short protein forms N1161T.
Identifiers: ClinVar variation 3759050 (VCV003759050.2).
Genomic context (GRCh38, chr17:61,683,564, plus strand): 5'-GAATCTACTTCTTTTATAGTTCTAATTTCAAAAAGGTCTTTAGCTAAAATGCAATCTGAA[T>G]TGTTAGCCAATCTATTTCCTCTATCAGTTTCAGCTAGGTCATTTTTTTCTTCATCTGTAT-3'
Protein context (NP_114432.2, residues 1151-1171): ETDRGNRLAN[Asn1161Thr]SDCILAKDLF